The following is an entry in ClinVar:

ClinVar aggregate classification (germline): Likely pathogenic (1 of 4 stars; one submission).

Submission:

GeneDx
Classification: Likely pathogenic. Last evaluated: 2017-11-08. Review status: criteria provided, single submitter. Criteria: GeneDx Variant Classification (06012015). Collection method: clinical testing. Allele origin: germline. Affected: yes.
Comment: The D1672Y variant in the SHANK3 gene has not been published as a pathogenic variant, nor has it been reported as a benign polymorphism to our knowledge. The D1672Y variant was not observed in approximately 4550 individuals of European and African American ancestry in the NHLBI Exome Sequencing Project, indicating it is not a common benign variant in these populations. The D1672Y variant is a non-conservative amino acid substitution, which is likely to impact secondary protein structure as these residues differ in polarity, charge, size and/or other properties. This substitution occurs at a position that is conserved across species. In silico analysis predicts this variant is probably damaging to the protein structure/function. The D1672Y variant is a strong candidate for a disease-causing variants however the possibility it may be a rare benign variant cannot be excluded

NM_001372044.2(SHANK3):c.5239G>T (p.Asp1747Tyr)

Gene: SHANK3 (SH3 and multiple ankyrin repeat domains 3; plus strand). Cytogenetic location: 22q13.33.
Variant type: single nucleotide variant.
Coding change: c.5239G>T on transcript NM_001372044.2 (MANE Select); coding-DNA position 5239, G replaced by T.
Protein change: p.Asp1747Tyr; replaces aspartic acid 1747 with tyrosine.
Molecular consequence: missense variant.
Genome position (GRCh38, 1-based): chr22:50,731,130, G>T. VCF-style: chr22-50731130-G-T. GRCh37 (hg19) VCF-style: chr22-51169558-G-T.
Other names: c.5014G>T, p.Asp1672Tyr (NM_033517.1); short protein forms D1672Y, D1747Y.
Identifiers: ClinVar variation 429603 (VCV000429603.2), dbSNP rs1131691485, ClinGen allele CA515267694.